The following is an entry in ClinVar:

NM_000572.3(IL10):c.343A>T (p.Asn115Tyr)

Genes: IL10 (interleukin 10; minus strand), IL19 (interleukin 19; plus strand), LOC129932369 (ATAC-STARR-seq lymphoblastoid active region 2419; plus strand). Cytogenetic location: 1q32.1.
Variant type: single nucleotide variant.
Coding change: c.343A>T on transcript NM_000572.3 (MANE Select); coding-DNA position 343, A replaced by T.
Protein change: p.Asn115Tyr; replaces asparagine 115 with tyrosine.
Molecular consequence: missense variant. On other transcripts: 5 prime UTR variant (1), non-coding transcript variant (1), intron variant (1).
Genome position (GRCh38, 1-based): chr1:206,770,942, T>A on the plus strand (A>T on the coding strand, the complement: IL10 is on the minus strand). VCF-style: chr1-206770942-T-A. GRCh37 (hg19) VCF-style: chr1-206944287-T-A.
Other names: c.-285T>A (NM_153758.5); c.88A>T, p.Asn30Tyr (NM_001382624.1); c.-149+112T>A (NM_001393490.1); short protein forms N115Y, N30Y.
Identifiers: ClinVar variation 1005651 (VCV001005651.9), dbSNP rs150423829, ClinGen allele CA1363772.
Genomic context (GRCh38, chr1:206,770,942, plus strand): 5'-GGGAAAAAACTGATCTGCTACTTACACAGCGCCGTAGCCTCAGCCTGAGGGTCTTCAGGT[T>A]CTCCCCCAGGGAGTTCACATGCGCCTTGATGTCTGGGTCTTGGTTCTCAGCTTGGGGCAT-3'
Protein context (NP_000563.1, residues 105-125): IKAHVNSLGE[Asn115Tyr]LKTLRLRLRR

ClinVar aggregate classification (germline): Uncertain significance (1 of 4 stars; one submission).

Conditions:
Inflammatory bowel disease. Identifiers: Orphanet 104012, MedGen C0021390, MONDO:0005265.

Allele frequency attached by ClinVar (database versions not stated): gnomAD exomes below 0.00001 and 0.00001; ExAC 0.00002; gnomAD 0.00007; ESP Exome Variant Server 0.00008; TOPMed 0.00009.
gnomAD v4.1: 14 of 1,613,982 alleles (0.00087%); highest among the groups gnomAD compares: African/African-American, 0.017%; no homozygotes.

Submission:

Labcorp Genetics (formerly Invitae), Labcorp
Classification: Uncertain significance for Inflammatory bowel disease. Last evaluated: 2023-12-11. Review status: criteria provided, single submitter. Criteria: Invitae Variant Classification Sherloc (09022015). Collection method: clinical testing. Allele origin: germline.
Comment: This sequence change replaces asparagine, which is neutral and polar, with tyrosine, which is neutral and polar, at codon 115 of the IL10 protein (p.Asn115Tyr). This variant is present in population databases (rs150423829, gnomAD 0.01%). This variant has not been reported in the literature in individuals affected with IL10-related conditions. ClinVar contains an entry for this variant (Variation ID: 1005651). An algorithm developed to predict the effect of missense changes on protein structure and function (PolyPhen-2) suggests that this variant is likely to be disruptive. In summary, the available evidence is currently insufficient to determine the role of this variant in disease. Therefore, it has been classified as a Variant of Uncertain Significance.